The following is an entry in ClinVar:

NM_000051.4(ATM):c.2467-3A>G

Gene: ATM (ATM serine/threonine kinase; plus strand). Cytogenetic location: 11q22.3.
Variant type: single nucleotide variant.
Coding change: c.2467-3A>G on transcript NM_000051.4 (MANE Select); 3 bases into the intron before coding-DNA position 2467, A replaced by G.
Molecular consequence: intron variant.
Genome position (GRCh38, 1-based): chr11:108,267,168, A>G. VCF-style: chr11-108267168-A-G. GRCh37 (hg19) VCF-style: chr11-108137895-A-G.
Other names: c.2467-3A>G (NM_001351834.2).
Identifiers: ClinVar variation 4827607 (VCV004827607.1).
Genomic context (GRCh38, chr11:108,267,168, plus strand): 5'-TTTTGACTACAGCATGCTCCTGCAAGAAGCCATCTTGAACATCTTTGTTTCTCTTCCTTG[A>G]AGGCATCCTTCATCAAAAAGCCATTTGACCGTGGAGAAGTAGAATCAATGGAAGATGATA-3'

ClinVar aggregate classification (germline): Uncertain significance (1 of 4 stars; one submission).

Conditions:
Hereditary cancer-predisposing syndrome. Also called: Neoplastic Syndromes, Hereditary; Tumor predisposition; Hereditary Cancer Syndrome; Hereditary neoplastic syndrome. Identifiers: Orphanet 140162, MedGen C0027672, MeSH D009386, MONDO:0015356.

Submission:

Ambry Genetics
Classification: Uncertain significance for Hereditary cancer-predisposing syndrome. Last evaluated: 2026-03-12. Review status: criteria provided, single submitter. Criteria: Ambry Variant Classification Scheme 2023. Collection method: clinical testing. Allele origin: germline.
Comment: The c.2467-3A>G intronic variant results from an A to G substitution 3 nucleotides upstream from coding exon 16 in the ATM gene. RNA studies have demonstrated that this variant does not result in abnormal splicing (Bueno-Mart&iacute;nez E et al. J Pathol, 2022 Sep;258:83-101). This nucleotide position is highly conserved in available vertebrate species. In silico splice site analysis for this alteration is inconclusive. Based on the available evidence, the clinical significance of this variant remains unclear.

Literature cited by the submitters: PubMed 35716007.